The following is an entry in ClinVar:

NM_002437.5(MPV17):c.155_167del (p.Leu52fs)

Gene: MPV17 (mitochondrial inner membrane protein MPV17; minus strand). Cytogenetic location: 2p23.3.
Variant type: Deletion.
Coding change: c.155_167del on transcript NM_002437.5 (MANE Select); coding-DNA positions 155 to 167, 13 bases deleted (TGACCATGGTGTC).
Protein change: p.Leu52fs; shifts the reading frame from leucine 52.
Molecular consequence: frameshift variant.
Genome position (GRCh38, 1-based): chr2:27,313,013-27,313,025, GACACCATGGTCA deleted on the plus strand (TGACCATGGTGTC on the coding strand, the reverse complement: MPV17 is on the minus strand); deleting any 13 consecutive bases within chr2:27,313,013-27,313,027 gives the same sequence; the c. name uses the placement nearest the transcript's 3' end. VCF-style (leftmost placement, unchanged base first): chr2-27313012-GGACACCATGGTCA-G. GRCh37 (hg19) VCF-style: chr2-27535879-GGACACCATGGTCA-G.
Other names: short protein forms L52fs.
Identifiers: ClinVar variation 841778 (VCV000841778.7), dbSNP rs1679514298, ClinGen allele CA916082521.

ClinVar aggregate classification (germline): Pathogenic (1 of 4 stars; one submission).

Submission:

Labcorp Genetics (formerly Invitae), Labcorp
Classification: Pathogenic. Last evaluated: 2019-11-29. Review status: criteria provided, single submitter. Criteria: Invitae Variant Classification Sherloc (09022015). Collection method: clinical testing. Allele origin: germline.
Comment: For these reasons, this variant has been classified as Pathogenic. Loss-of-function variants in MPV17 are known to be pathogenic (PMID: 23714749). This variant has not been reported in the literature in individuals with MPV17-related conditions. This variant is not present in population databases (ExAC no frequency). This sequence change creates a premature translational stop signal (p.Leu52Profs*11) in the MPV17 gene. It is expected to result in an absent or disrupted protein product.

Literature cited by the submitters: PubMed 23714749.